The following is an entry in ClinVar:

NM_032620.4(GTPBP3):c.1439T>G (p.Ile480Ser)

Gene: GTPBP3 (GTP binding protein 3, mitochondrial; plus strand). Cytogenetic location: 19p13.11.
Variant type: single nucleotide variant.
Coding change: c.1439T>G on transcript NM_032620.4 (MANE Select); coding-DNA position 1439, T replaced by G.
Protein change: p.Ile480Ser; replaces isoleucine 480 with serine.
Molecular consequence: missense variant.
Genome position (GRCh38, 1-based): chr19:17,341,663, T>G. VCF-style: chr19-17341663-T-G. GRCh37 (hg19) VCF-style: chr19-17452472-T-G.
Other names: c.1376T>G, p.Ile459Ser (NM_001128855.3); c.1505T>G, p.Ile502Ser (NM_001195422.1); c.1535T>G, p.Ile512Ser (NM_133644.4); short protein forms I459S, I512S, I480S, I502S.
Identifiers: ClinVar variation 1481529 (VCV001481529.8), dbSNP rs558425417, ClinGen allele CA404739998.

ClinVar aggregate classification (germline): Uncertain significance (1 of 4 stars; one submission).

gnomAD v4.1: 3 of 1,599,578 alleles (0.00019%); highest among the groups gnomAD compares: Non-Finnish European, 0.00026%; no homozygotes.

Submission:

Labcorp Genetics (formerly Invitae), Labcorp
Classification: Uncertain significance. Last evaluated: 2022-02-05. Review status: criteria provided, single submitter. Criteria: Invitae Variant Classification Sherloc (09022015). Collection method: clinical testing. Allele origin: germline.
Comment: In summary, the available evidence is currently insufficient to determine the role of this variant in disease. Therefore, it has been classified as a Variant of Uncertain Significance. Algorithms developed to predict the effect of missense changes on protein structure and function (SIFT, PolyPhen-2, Align-GVGD) all suggest that this variant is likely to be disruptive. This variant has not been reported in the literature in individuals affected with GTPBP3-related conditions. This variant is not present in population databases (gnomAD no frequency). This sequence change replaces isoleucine, which is neutral and non-polar, with serine, which is neutral and polar, at codon 512 of the GTPBP3 protein (p.Ile512Ser).